The following is an entry in ClinVar:

ClinVar aggregate classification (germline): Uncertain significance (1 of 4 stars; one submission).

Conditions:
Immunodeficiency 51 (IMD51). Also called: CANDIDIASIS, FAMILIAL, 5. Identifiers: Orphanet 1334, MedGen C4310803, MONDO:0013500, OMIM 613953.

Submission:

Labcorp Genetics (formerly Invitae), Labcorp
Classification: Uncertain significance for Immunodeficiency 51. Last evaluated: 2018-02-21. Review status: criteria provided, single submitter. Criteria: Invitae Variant Classification Sherloc (09022015). Collection method: clinical testing. Allele origin: germline.
Comment: This sequence change affects codon 362 of the IL17RA mRNA. It is a 'silent' change, meaning that it does not change the encoded amino acid sequence of the IL17RA protein. This variant is not present in population databases (ExAC no frequency). This variant has not been reported in the literature in individuals with IL17RA-related disease. Algorithms developed to predict the effect of sequence changes on RNA splicing suggest that this variant may create or strengthen a splice site, but this prediction has not been confirmed by published transcriptional studies. In summary, the available evidence is currently insufficient to determine the role of this variant in disease. Therefore, it has been classified as a Variant of Uncertain Significance.

NM_014339.7(IL17RA):c.1086C>A (p.Thr362=)

Genes: IL17RA (interleukin 17 receptor A; plus strand), LOC126863094 (MED14-independent group 3 enhancer GRCh37_chr22:17587847-17589046; plus strand). Cytogenetic location: 22q11.1.
Variant type: single nucleotide variant.
Coding change: c.1086C>A on transcript NM_014339.7 (MANE Select); coding-DNA position 1086, C replaced by A.
Protein change: p.Thr362=; no amino-acid change (threonine 362 retained).
Molecular consequence: synonymous variant.
Genome position (GRCh38, 1-based): chr22:17,107,767, C>A. VCF-style: chr22-17107767-C-A. GRCh37 (hg19) VCF-style: chr22-17588657-C-A.
Other names: c.984C>A, p.Thr328= (NM_001289905.2).
Identifiers: ClinVar variation 573226 (VCV000573226.3), dbSNP rs139716919, ClinGen allele CA512870659.